The following is an entry in ClinVar:

ClinVar aggregate classification (germline): Pathogenic/Likely pathogenic. Review status: criteria provided, multiple submitters, no conflicts (2 of 4 stars). 3 submissions from 3 submitters: Pathogenic (1); Likely pathogenic (1). 1 of the submissions does not count toward it. Last evaluated 2025-08-05.

Conditions:
ABCC2-related disorder. Also called: ABCC2-related condition.
Dubin-Johnson syndrome (DJS). Also called: HYPERBILIRUBINEMIA, DUBIN-JOHNSON TYPE; Jaundice, Chronic Idiopathic; Hyperbilirubinemia type 2. Identifiers: Orphanet 234, MedGen C0022350, MONDO:0009380, OMIM 237500.

Submissions (3):

First Genomix Gene Laboratory, Genetic Diagnostics Department
Classification: Likely pathogenic for Dubin-Johnson syndrome. Last evaluated: 2025-08-05. Review status: criteria provided, single submitter. Criteria: ACMG Guidelines, 2015. Collection method: clinical testing. Allele origin: germline. Inheritance: Autosomal recessive inheritance. Affected: no. Observed: 1 variant allele.

Eurofins Ntd Llc (ga)
Classification: Pathogenic. Last evaluated: 2017-05-30. Review status: criteria provided, single submitter. Criteria: EGL Classification Definitions 2015. Collection method: clinical testing. Allele origin: germline. Observed: 1 variant allele, 1 heterozygote.

PreventionGenetics, part of Exact Sciences
Classification: Pathogenic for ABCC2-related condition. Last evaluated: 2023-12-21. Review status: no assertion criteria provided. Collection method: clinical testing. Allele origin: germline. Not counted in ClinVar's aggregate classification.
Comment: The ABCC2 c.156T>A variant is predicted to result in premature protein termination (p.Tyr52*). This variant was reported as a carrier finding in a large screening cohort (Table S1, Capalbo et al 2019. PubMed ID: 31589614). However, nonsense variants in ABCC2 have been frequently reported in individuals presenting with autosomal recessive Dubin-Johnson syndrome (see, for example, Corpechot et al. 2019. PubMed ID: 31544333). This variant has not been reported in a large population database, indicating this variant is rare. Nonsense variants in ABCC2 are expected to be pathogenic. This variant is interpreted as pathogenic.

NM_000392.5(ABCC2):c.156T>A (p.Tyr52Ter)

Genes: ABCC2 (ATP binding cassette subfamily C member 2; plus strand), LOC108281165 (MED14-independent group 3 enhancer GRCh37_chr10:101544125-101545324; plus strand). Cytogenetic location: 10q24.2.
Variant type: single nucleotide variant.
Coding change: c.156T>A on transcript NM_000392.5 (MANE Select); coding-DNA position 156, T replaced by A.
Protein change: p.Tyr52Ter; replaces tyrosine 52 with a stop codon.
Molecular consequence: nonsense.
Genome position (GRCh38, 1-based): chr10:99,784,730, T>A. VCF-style: chr10-99784730-T-A. GRCh37 (hg19) VCF-style: chr10-101544487-T-A.
Other names: c.156T>A, p.Tyr52Ter (LRG_1208t1); c.156T>A (NM_000392.4); short protein forms Y52*.
Identifiers: ClinVar variation 502331 (VCV000502331.8), dbSNP rs1554845888, ClinGen allele CA378100916.